The following is an entry in ClinVar:

ClinVar aggregate classification (germline): Likely benign (0 of 4 stars; one submission).

Conditions:
WDPCP-related disorder. Also called: WDPCP-related condition.

gnomAD v4.1: 1 of 1,571,296 alleles (0.000064%); highest among the groups gnomAD compares: Admixed American, 0.0018%; no homozygotes.

Submission:

PreventionGenetics, part of Exact Sciences
Classification: Likely benign for WDPCP-related condition. Last evaluated: 2020-08-17. Review status: no assertion criteria provided. Collection method: clinical testing. Allele origin: germline.
Comment: This variant is classified as likely benign based on ACMG/AMP sequence variant interpretation guidelines (Richards et al. 2015 PMID: 25741868, with internal and published modifications).

NM_015910.7(WDPCP):c.-7T>G

Gene: WDPCP (WD repeat containing planar cell polarity effector; minus strand). Cytogenetic location: 2p15.
Variant type: single nucleotide variant.
Coding change: c.-7T>G on transcript NM_015910.7 (MANE Select); 7 bases upstream of the start codon, T replaced by G.
Molecular consequence: 5 prime UTR variant. On other transcripts: non-coding transcript variant (2).
Genome position (GRCh38, 1-based): chr2:63,588,278, A>C on the plus strand (T>G on the coding strand, the complement: WDPCP is on the minus strand). VCF-style: chr2-63588278-A-C. GRCh37 (hg19) VCF-style: chr2-63815412-A-C.
Other names: c.-331T>G (NM_001354044.2); c.-7T>G (NM_001354045.2).
Identifiers: ClinVar variation 3351594 (VCV003351594.1).
Genomic context (GRCh38, chr2:63,588,278, plus strand): 5'-AGCGCGACTCCCGGCCGCTTTGGAGTAGGCGTCCCAGCAAAACTCTCGCCTCATCACCAG[A>C]CACTACCCCGGGCAGAAGGTTCCTAGGCTAGGTCCTCGGACCCGAGAGGGAGCGACACGC-3'